The following is an entry in ClinVar:

NM_004535.3(MYT1):c.2649C>T (p.Asp883=)

Gene: MYT1 (myelin transcription factor 1; plus strand). Cytogenetic location: 20q13.33.
Variant type: single nucleotide variant.
Coding change: c.2649C>T on transcript NM_004535.3 (MANE Select); coding-DNA position 2649, C replaced by T.
Protein change: p.Asp883=; no amino-acid change (aspartic acid 883 retained).
Molecular consequence: synonymous variant.
Genome position (GRCh38, 1-based): chr20:64,227,945, C>T. VCF-style: chr20-64227945-C-T. GRCh37 (hg19) VCF-style: chr20-62859298-C-T.
Identifiers: ClinVar variation 780194 (VCV000780194.30), dbSNP rs76015823, ClinGen allele CA9975263.
Genomic context (GRCh38, chr20:64,227,945, plus strand): 5'-CAGCTTGTCCGGCTGCCCTCGTGCAAAGAAAAGTGGAGTCAAGGTGGCACCCACCAAGGA[C>T]GACAAGGAGGACCCCGAGCTGATGAAGTACGTTGGGCCATGCTGGCTCTTTCATTGCATT-3'
Protein context (NP_004526.1, residues 873-893): KSGVKVAPTK[Asp883=]DKEDPELMKC

ClinVar aggregate classification (germline): Benign/Likely benign. Review status: criteria provided, multiple submitters, no conflicts (2 of 4 stars). 4 submissions from 4 submitters: Benign (2); Likely benign (1). 1 of the submissions does not count toward it. Last evaluated 2023-10-01.

Conditions:
MYT1-related disorder. Also called: MYT1-related condition.

Allele frequency attached by ClinVar (database versions not stated): 1000 Genomes Project 30x 0.00312; 1000 Genomes Project 0.00319; ESP Exome Variant Server 0.00331; ExAC 0.00443; gnomAD exomes 0.00445 and 0.00534; gnomAD 0.00462 and 0.00469; TOPMed 0.00524.

Submissions (4):

CeGaT Center for Human Genetics Tuebingen
Classification: Likely benign. Last evaluated: 2023-10-01. Review status: criteria provided, single submitter. Criteria: CeGaT Center For Human Genetics Tuebingen Variant Classification Criteria Version 2. Collection method: clinical testing. Allele origin: germline. Affected: yes. Observed: 2 variant alleles.
Comment: MYT1: BP4, BP7, BS2

Labcorp Genetics (formerly Invitae), Labcorp
Classification: Benign. Last evaluated: 2019-12-31. Review status: criteria provided, single submitter. Criteria: Invitae Variant Classification Sherloc (09022015). Collection method: clinical testing. Allele origin: germline.

Breakthrough Genomics
Classification: Benign. Review status: criteria provided, single submitter. Criteria: ACMG Guidelines, 2015. Collection method: not provided. Allele origin: germline. Inheritance: Unknown mechanism. Affected: yes.

PreventionGenetics, part of Exact Sciences
Classification: Likely benign for MYT1-related condition. Last evaluated: 2019-02-21. Review status: no assertion criteria provided. Collection method: clinical testing. Allele origin: germline. Not counted in ClinVar's aggregate classification.
Comment: This variant is classified as likely benign based on ACMG/AMP sequence variant interpretation guidelines (Richards et al. 2015 PMID: 25741868, with internal and published modifications).